The following is an entry in ClinVar:

ClinVar aggregate classification (germline): Benign. Review status: criteria provided, multiple submitters, no conflicts (2 of 4 stars). 4 submissions from 2 submitters: Benign (4). Last evaluated 2018-01-13.

Conditions:
Leprechaunism syndrome. Also called: Donohue syndrome; LEPRECHAUNISM. Identifiers: Orphanet 508, MedGen C0265344, MONDO:0009517, OMIM 246200.
Insulin-resistant diabetes mellitus AND acanthosis nigricans. Also called: Insulin-resistance syndrome type A; INSULIN RECEPTOR, DEFECT IN, WITH INSULIN-RESISTANT DIABETES MELLITUS AND ACANTHOSIS NIGRICANS; IRAN, TYPE A; type A insulin resistance; DIABETES MELLITUS, INSULIN-RESISTANT, WITH ACANTHOSIS NIGRICANS, TYPE A. Identifiers: Orphanet 2297, MedGen C0342278, MONDO:0012520, OMIM 610549.
Rabson-Mendenhall syndrome. Also called: MENDENHALL SYNDROME; Pineal Hyperplasia, Insulin-Resistant Diabetes Mellitus, and Somatic Abnormalities; Pineal hyperplasia AND diabetes mellitus syndrome. Identifiers: Orphanet 769, MedGen C0271695, MONDO:0009874, OMIM 262190.

Allele frequency attached by ClinVar (database versions not stated): 1000 Genomes Project 0.02476; 1000 Genomes Project 30x 0.02561; TOPMed 0.04214; gnomAD 0.04550 and 0.04554.

Submissions (4):

Illumina Laboratory Services, Illumina
Classification: Benign for Leprechaunism syndrome. Last evaluated: 2018-01-13. Review status: criteria provided, single submitter. Criteria: ICSL Variant Classification Criteria 13 December 2019. Collection method: clinical testing. Allele origin: germline.
Comment: This variant was observed in the ICSL laboratory as part of a predisposition screen in an ostensibly healthy population. It had not been previously curated by ICSL or reported in the Human Gene Mutation Database (HGMD: prior to June 1st, 2018), and was therefore a candidate for classification through an automated scoring system. Utilizing variant allele frequency, disease prevalence and penetrance estimates, and inheritance mode, an automated score was calculated to assess if this variant is too frequent to cause the disease. Based on the score and internal cut-off values, a variant classified as benign is not then subjected to further curation. The score for this variant resulted in a classification of benign for this disease.

Illumina Laboratory Services, Illumina
Classification: Benign for Rabson-Mendenhall syndrome. Last evaluated: 2018-01-13. Review status: criteria provided, single submitter. Criteria: ICSL Variant Classification Criteria 13 December 2019. Collection method: clinical testing. Allele origin: germline.
Comment: the same text as in the submission from Illumina Laboratory Services, Illumina above.

Illumina Laboratory Services, Illumina
Classification: Benign for Insulin-resistant diabetes mellitus AND acanthosis nigricans. Last evaluated: 2018-01-13. Review status: criteria provided, single submitter. Criteria: ICSL Variant Classification Criteria 13 December 2019. Collection method: clinical testing. Allele origin: germline.
Comment: the same text as in the submission from Illumina Laboratory Services, Illumina above.

Breakthrough Genomics
Classification: Benign. Review status: criteria provided, single submitter. Criteria: ACMG Guidelines, 2015. Collection method: not provided. Allele origin: germline. Inheritance: Autosomal recessive inheritance. Affected: yes.

NM_000208.4(INSR):c.*3029T>C

Gene: INSR (insulin receptor; minus strand). Cytogenetic location: 19p13.2.
Variant type: single nucleotide variant.
Coding change: c.*3029T>C on transcript NM_000208.4 (MANE Select); 3029 bases downstream of the stop codon, T replaced by C.
Molecular consequence: 3 prime UTR variant.
Genome position (GRCh38, 1-based): chr19:7,114,027, A>G on the plus strand (T>C on the coding strand, the complement: INSR is on the minus strand). VCF-style: chr19-7114027-A-G. GRCh37 (hg19) VCF-style: chr19-7114038-A-G.
Other names: c.*3029T>C (NM_001079817.3).
Identifiers: ClinVar variation 330371 (VCV000330371.6), dbSNP rs72988602, ClinGen allele CA10652838.